The following is an entry in ClinVar:

NM_001184880.2(PCDH19):c.2559C>G (p.Phe853Leu)

Genes: PCDH19 (protocadherin 19; minus strand), LOC125467768 (CDK7 strongly-dependent group 2 enhancer GRCh37_chrX:99657381-99658580; plus strand). Cytogenetic location: Xq22.1.
Variant type: single nucleotide variant.
Coding change: c.2559C>G on transcript NM_001184880.2 (MANE Select); coding-DNA position 2559, C replaced by G.
Protein change: p.Phe853Leu; replaces phenylalanine 853 with leucine.
Molecular consequence: missense variant.
Genome position (GRCh38, 1-based): chrX:100,402,581, G>C on the plus strand (C>G on the coding strand, the complement: PCDH19 is on the minus strand). VCF-style: chrX-100402581-G-C. GRCh37 (hg19) VCF-style: chrX-99657579-G-C.
Other names: c.2418C>G, p.Phe806Leu (NM_001105243.2, NM_020766.3); short protein forms F853L, F806L.
Identifiers: ClinVar variation 856452 (VCV000856452.15), dbSNP rs924686008, ClinGen allele CA333825798.

ClinVar aggregate classification (germline): Uncertain significance. Review status: criteria provided, multiple submitters, no conflicts (2 of 4 stars). 3 submissions from 3 submitters: Uncertain significance (3). Last evaluated 2026-03-16.

Conditions:
PCDH19-related disorder. Also called: PCDH19-related condition.
Developmental and epileptic encephalopathy, 9 (DEE9). Also called: EPILEPSY, FEMALE-RESTRICTED, WITH MENTAL RETARDATION; JUBERG-HELLMAN SYNDROME; PCDH19-Related X-Linked Female-Limited Epilepsy with Mental Retardation; Early infantile epileptic encephalopathy 9. Identifiers: Orphanet 101039, Orphanet 2076, MedGen C1848137, MONDO:0010246, OMIM 300088. Disease mechanism: loss of function.

Allele frequency attached by ClinVar (database versions not stated): gnomAD exomes below 0.00001; TOPMed 0.00006.
gnomAD v4.1: 5 of 1,211,716 alleles (0.00041%); highest among the groups gnomAD compares: East Asian, 0.0089%; no homozygotes.

Submissions (3):

PreventionGenetics, part of Exact Sciences
Classification: Uncertain significance for PCDH19-related condition. Last evaluated: 2026-03-16. Review status: criteria provided, single submitter. Criteria: ACMG Guidelines, 2015. Collection method: clinical testing. Allele origin: germline.
Comment: The PCDH19 c.2559C>G variant is predicted to result in the amino acid substitution p.Phe853Leu. To our knowledge, this variant has not been reported in the literature or in gnomAD v2.1.1; however, it has been observed in four females (XX) and one male (XY) from over 1.2 million individuals tested for the X chromosome in gnomAD v4.1.0, indicating this variant is rare. This variant is currently classified as a variant of uncertain significance in ClinVar (Variation ID: 856452). At this time, the clinical significance of this variant is uncertain due to the absence of conclusive functional and genetic evidence.

Labcorp Genetics (formerly Invitae), Labcorp
Classification: Uncertain significance for Developmental and epileptic encephalopathy, 9. Last evaluated: 2025-11-10. Review status: criteria provided, single submitter. Criteria: Invitae Variant Classification Sherloc (09022015). Collection method: clinical testing. Allele origin: germline.
Comment: This sequence change replaces phenylalanine, which is neutral and non-polar, with leucine, which is neutral and non-polar, at codon 853 of the PCDH19 protein (p.Phe853Leu). This variant is not present in population databases (gnomAD no frequency). This variant has not been reported in the literature in individuals affected with PCDH19-related conditions. ClinVar contains an entry for this variant (Variation ID: 856452). Invitae Evidence Modeling of protein sequence and biophysical properties (such as structural, functional, and spatial information, amino acid conservation, physicochemical variation, residue mobility, and thermodynamic stability) indicates that this missense variant is not expected to disrupt PCDH19 protein function with a negative predictive value of 95%. In summary, the available evidence is currently insufficient to determine the role of this variant in disease. Therefore, it has been classified as a Variant of Uncertain Significance.

Revvity Omics, Revvity
Classification: Uncertain significance for Developmental and epileptic encephalopathy, 9. Last evaluated: 2021-06-17. Review status: criteria provided, single submitter. Criteria: ACMG Guidelines, 2015. Collection method: clinical testing. Allele origin: germline.